The following is an entry in ClinVar:

ClinVar aggregate classification (germline): Conflicting classifications of pathogenicity. Review status: criteria provided, conflicting classifications (1 of 4 stars). 2 submissions from 2 submitters: Uncertain significance (1); Likely benign (1). Last evaluated 2025-09-07.

Conditions:
Inborn genetic diseases. Identifiers: MedGen C0950123, MeSH D030342.

Allele frequency attached by ClinVar (database versions not stated): gnomAD exomes below 0.00001 and 0.00001; TOPMed below 0.00001; gnomAD 0.00001; ExAC 0.00002.
gnomAD v4.1: 5 of 1,614,052 alleles (0.00031%); highest among the groups gnomAD compares: Non-Finnish European, 0.00042%; no homozygotes.

Submissions (2):

Labcorp Genetics (formerly Invitae), Labcorp
Classification: Uncertain significance. Last evaluated: 2025-09-07. Review status: criteria provided, single submitter. Criteria: Invitae Variant Classification Sherloc (09022015). Collection method: clinical testing. Allele origin: germline.
Comment: This sequence change replaces leucine, which is neutral and non-polar, with valine, which is neutral and non-polar, at codon 170 of the RORB protein (p.Leu170Val). This variant is present in population databases (rs759595738, gnomAD 0.002%). This variant has not been reported in the literature in individuals affected with RORB-related conditions. ClinVar contains an entry for this variant (Variation ID: 1439310). An algorithm developed to predict the effect of missense changes on protein structure and function (PolyPhen-2) suggests that this variant is likely to be tolerated. In summary, the available evidence is currently insufficient to determine the role of this variant in disease. Therefore, it has been classified as a Variant of Uncertain Significance.

Ambry Genetics
Classification: Likely benign for Inborn genetic diseases. Last evaluated: 2023-05-08. Review status: criteria provided, single submitter. Criteria: Ambry Variant Classification Scheme 2023. Collection method: clinical testing. Allele origin: germline.

NM_006914.4(RORB):c.508C>G (p.Leu170Val)

Gene: RORB (RAR related orphan receptor B; plus strand). Cytogenetic location: 9q21.13.
Variant type: single nucleotide variant.
Coding change: c.508C>G on transcript NM_006914.4 (MANE Select); coding-DNA position 508, C replaced by G.
Protein change: p.Leu170Val; replaces leucine 170 with valine.
Molecular consequence: missense variant.
Genome position (GRCh38, 1-based): chr9:74,642,686, C>G. VCF-style: chr9-74642686-C-G. GRCh37 (hg19) VCF-style: chr9-77257602-C-G.
Other names: c.541C>G, p.Leu181Val (NM_001365023.1); c.508C>G (NM_006914.3); short protein forms L170V, L181V.
Identifiers: ClinVar variation 1439310 (VCV001439310.7), dbSNP rs759595738, ClinGen allele CA5083384.
Genomic context (GRCh38, chr9:74,642,686, plus strand): 5'-CCCAAGTCTGAGGGTTATTACAACGTCGATTCCGGTCAGCCGTCCCCTGATCAGTCAGGA[C>G]TTGACATGACTGGAATCAAACAGATAAAGCAAGAACCTATCTATGACCTCACATCCGTAC-3'
Protein context (NP_008845.2, residues 160-180): SGQPSPDQSG[Leu170Val]DMTGIKQIKQ